The following is an entry in ClinVar:

NM_000812.4(GABRB1):c.172+3A>C

Gene: GABRB1 (gamma-aminobutyric acid type A receptor subunit beta1; plus strand). Cytogenetic location: 4p12.
Variant type: single nucleotide variant.
Coding change: c.172+3A>C on transcript NM_000812.4 (MANE Select); 3 bases into the intron after coding-DNA position 172, A replaced by C.
Molecular consequence: intron variant.
Genome position (GRCh38, 1-based): chr4:47,032,008, A>C. VCF-style: chr4-47032008-A-C. GRCh37 (hg19) VCF-style: chr4-47034025-A-C.
Identifiers: ClinVar variation 1406318 (VCV001406318.6), dbSNP rs2109466464, ClinGen allele CA2573137869.

ClinVar aggregate classification (germline): Uncertain significance (1 of 4 stars; one submission).

Submission:

Labcorp Genetics (formerly Invitae), Labcorp
Classification: Uncertain significance. Last evaluated: 2021-07-18. Review status: criteria provided, single submitter. Criteria: Invitae Variant Classification Sherloc (09022015). Collection method: clinical testing. Allele origin: germline.
Comment: This variant has not been reported in the literature in individuals affected with GABRB1-related conditions. This sequence change falls in intron 2 of the GABRB1 gene. It does not directly change the encoded amino acid sequence of the GABRB1 protein. It affects a nucleotide within the consensus splice site of the intron. This variant is not present in population databases (ExAC no frequency). Nucleotide substitutions within the consensus splice site are a relatively common cause of aberrant splicing (PMID: 17576681, 9536098). Algorithms developed to predict the effect of sequence changes on RNA splicing suggest that this variant may disrupt the consensus splice site. In summary, the available evidence is currently insufficient to determine the role of this variant in disease. Therefore, it has been classified as a Variant of Uncertain Significance.

Literature cited by the submitters: PubMed 17576681; PubMed 9536098.